The following is an entry in ClinVar:

NM_007294.4(BRCA1):c.5407-2A>T

Gene: BRCA1 (BRCA1 DNA repair associated; minus strand). Cytogenetic location: 17q21.31.
Variant type: single nucleotide variant.
Coding change: c.5407-2A>T on transcript NM_007294.4 (MANE Select); the canonical splice acceptor site of the intron before coding-DNA position 5407, A replaced by T.
Molecular consequence: splice acceptor variant.
Genome position (GRCh38, 1-based): chr17:43,047,705, T>A on the plus strand (A>T on the coding strand, the complement: BRCA1 is on the minus strand). VCF-style: chr17-43047705-T-A. GRCh37 (hg19) VCF-style: chr17-41199722-T-A.
Other names: IVS22-2A>T; c.1717-2A>T (NM_001408510.1); c.5197-2A>T (NM_001407885.1, NM_001407886.1, NM_001407887.1 and 5 more transcripts); c.1951-2A>T (NM_001408470.1, NM_001408469.1, NM_001408468.1); c.5260-2A>T (NM_001407848.1, NM_001407839.1, NM_001407850.1 and 12 more transcripts); c.5263-2A>T (NM_001407745.1, NM_001407737.1, NM_001407746.1 and 18 more transcripts); c.5143-2A>T (NM_001407922.1, NM_001407921.1, NM_001407926.1 and 4 more transcripts); c.1957-2A>T (NM_001408453.1, NM_001408452.1, NM_001408457.1 and 3 more transcripts); and 84 more.
Identifiers: ClinVar variation 125848 (VCV000125848.5), dbSNP rs80358002, ClinGen allele CA003573.
Genomic context (GRCh38, chr17:43,047,705, plus strand): 5'-TGGAAGCCATTGTCCTCTGTCCAGGCATCTGGCTGCACAACCACAATTGGGTGGACACCC[T>A]GGATCCCCAGGAAGGAAAGAGCATTCAAAGTGTCAAAGTAGGACTACTGGAACTGTCACT-3'

ClinVar aggregate classification (germline): Pathogenic (0 of 4 stars; one submission).

Conditions:
Breast-ovarian cancer, familial, susceptibility to, 1 (BROVCA1). Also called: BRCA1 Hereditary Breast and Ovarian Cancer; OVARIAN CANCER, SUSCEPTIBILITY TO. Identifiers: Orphanet 145, MedGen C2676676, MONDO:0011450, OMIM 604370. Disease mechanism: loss of function.

Submissions (2):

Breast Cancer Information Core (BIC) (BRCA1)
Classification: Pathogenic for Breast-ovarian cancer, familial 1. Last evaluated: 2006-03-21. Review status: no assertion criteria provided. Collection method: clinical testing. Allele origin: unknown. Affected: yes. Observed: 1 variant allele.

Brotman Baty Institute, University of Washington
No classification provided (evidence only). Condition: Breast-ovarian cancer, familial 1. Review status: no classification provided. Collection method: in vitro. Allele origin: not applicable. Functional consequence: functionally_abnormal. Not counted in ClinVar's aggregate classification.
ClinVar note: "not provided" was previously submitted as the classification for the variant. However, the classification appeared to be based only on an observation of functional data so it was converted to no classification on 2025-07-30.